The following is an entry in ClinVar:

ClinVar aggregate classification (germline): Conflicting classifications of pathogenicity. Review status: criteria provided, conflicting classifications (1 of 4 stars). 8 submissions from 8 submitters: Uncertain significance (4); Likely benign (1). 3 of the submissions do not count toward it. Last evaluated 2026-01-28.

Conditions:
NEFH-related disorder. Also called: NEFH-related condition.
Charcot-Marie-Tooth disease axonal type 2CC. Also called: CHARCOT-MARIE-TOOTH NEUROPATHY, TYPE 2CC. Identifiers: MedGen C4310790, MONDO:0014836, OMIM 616924.
Amyotrophic lateral sclerosis type 1 (ALS1). Also called: AMYOTROPHIC LATERAL SCLEROSIS 1, FAMILIAL. Identifiers: Orphanet 803, MedGen C1862939, MONDO:0007103, OMIM 105400.
Inborn genetic diseases. Identifiers: MedGen C0950123, MeSH D030342.

Allele frequency attached by ClinVar (database versions not stated): gnomAD 0.00013 and 0.00015; ExAC 0.00015; TOPMed 0.00017; ESP Exome Variant Server 0.00031.

Submissions (8):

Labcorp Genetics (formerly Invitae), Labcorp
Classification: Uncertain significance. Last evaluated: 2026-01-28. Review status: criteria provided, single submitter. Criteria: Invitae Variant Classification Sherloc (09022015). Collection method: clinical testing. Allele origin: germline.
Comment: This sequence change replaces asparagine, which is neutral and polar, with threonine, which is neutral and polar, at codon 390 of the NEFH protein (p.Asn390Thr). This variant is present in population databases (rs148653339, gnomAD 0.05%), and has an allele count higher than expected for a pathogenic variant. This missense change has been observed in individual(s) with amyotrophic lateral sclerosis and/or frontotemporal dementia (PMID: 28749476, 35047667). ClinVar contains an entry for this variant (Variation ID: 546912). Experimental studies and prediction algorithms are not available or were not evaluated, and the functional significance of this variant is currently unknown. In summary, the available evidence is currently insufficient to determine the role of this variant in disease. Therefore, it has been classified as a Variant of Uncertain Significance.

Mayo Clinic Laboratories, Mayo Clinic
Classification: Uncertain significance. Last evaluated: 2025-12-17. Review status: criteria provided, single submitter. Criteria: ACMG Guidelines, 2015. Collection method: clinical testing. Allele origin: germline. Observed: 3 variant alleles.
Comment: PP3_moderate

Women's Health and Genetics/Laboratory Corporation of America, LabCorp
Classification: Uncertain significance. Last evaluated: 2025-09-12. Review status: criteria provided, single submitter. Criteria: LabCorp Variant Classification Summary - May 2015. Collection method: clinical testing. Allele origin: germline.
Comment: Variant summary: NEFH c.1169A>C (p.Asn390Thr) results in a non-conservative amino acid change in the encoded protein sequence. Algorithms developed to predict the effect of missense changes on protein structure and function all suggest that this variant is likely to be disruptive. The variant allele was found at a frequency of 0.00024 in 251470 control chromosomes. This frequency is not significantly higher than estimated for disease-causing variants in NEFH, allowing no conclusion about variant significance. c.1169A>C has been observed in an individual affected with Amyotrophic lateral sclerosis type 1 (Nel_2022). These report(s) do not provide unequivocal conclusions about association of the variant with Amyotrophic lateral sclerosis type 1. To our knowledge, no experimental evidence demonstrating an impact on protein function has been reported. The following publication have been ascertained in the context of this evaluation (PMID: 35047667). ClinVar contains an entry for this variant (Variation ID: 546912). Based on the evidence outlined above, the variant was classified as uncertain significance.

CeGaT Center for Human Genetics Tuebingen
Classification: Uncertain significance. Last evaluated: 2023-08-01. Review status: criteria provided, single submitter. Criteria: CeGaT Center For Human Genetics Tuebingen Variant Classification Criteria Version 2. Collection method: clinical testing. Allele origin: germline. Affected: yes. Observed: 4 variant alleles.
Comment: NEFH: PM2, PP3

Ambry Genetics
Classification: Likely benign for Inborn genetic diseases. Last evaluated: 2019-11-15. Review status: criteria provided, single submitter. Criteria: Ambry Variant Classification Scheme 2023. Collection method: clinical testing. Allele origin: germline.

PreventionGenetics, part of Exact Sciences
Classification: Likely benign for NEFH-related condition. Last evaluated: 2024-01-07. Review status: no assertion criteria provided. Collection method: clinical testing. Allele origin: germline. Not counted in ClinVar's aggregate classification.
Comment: This variant is classified as likely benign based on ACMG/AMP sequence variant interpretation guidelines (Richards et al. 2015 PMID: 25741868, with internal and published modifications).

Clinical Genetics DNA and cytogenetics Diagnostics Lab, Erasmus MC, Erasmus Medical Center
Classification: Uncertain significance. Review status: no assertion criteria provided. Collection method: clinical testing. Allele origin: germline. Affected: yes. Study: VKGL Data-share Consensus. Not counted in ClinVar's aggregate classification.

Clinical Genetics, Academic Medical Center
Classification: Uncertain significance. Review status: no assertion criteria provided. Collection method: clinical testing. Allele origin: germline. Affected: yes. Study: VKGL Data-share Consensus. Not counted in ClinVar's aggregate classification.

Literature cited by the submitters: PubMed 28749476 (cited by Labcorp Genetics (formerly Invitae), Labcorp); PubMed 35047667 (cited by 3 submitters).

NM_021076.4(NEFH):c.1169A>C (p.Asn390Thr)

Gene: NEFH (neurofilament heavy chain; plus strand). Cytogenetic location: 22q12.2.
Variant type: single nucleotide variant.
Coding change: c.1169A>C on transcript NM_021076.4 (MANE Select); coding-DNA position 1169, A replaced by C.
Protein change: p.Asn390Thr; replaces asparagine 390 with threonine.
Molecular consequence: missense variant.
Genome position (GRCh38, 1-based): chr22:29,485,808, A>C. VCF-style: chr22-29485808-A-C. GRCh37 (hg19) VCF-style: chr22-29881797-A-C.
Other names: p.Asn390Thr; short protein forms N390T.
Identifiers: ClinVar variation 546912 (VCV000546912.55), dbSNP rs148653339, ClinGen allele CA10174135.